The following is an entry in ClinVar:

NM_001034853.2(RPGR):c.1187dup (p.Leu396fs)

Gene: RPGR (retinitis pigmentosa GTPase regulator; minus strand). Cytogenetic location: Xp11.4.
Variant type: Duplication.
Coding change: c.1187dup on transcript NM_001034853.2 (MANE Select); coding-DNA position 1187, one base duplicated (T; older notation c.1187dupT).
Protein change: p.Leu396fs; shifts the reading frame from leucine 396.
Molecular consequence: frameshift variant. On other transcripts: non-coding transcript variant (6), intron variant (2).
Genome position (GRCh38, 1-based): chrX:38,299,014, A duplicated on the plus strand (T on the coding strand, the reverse complement: RPGR is on the minus strand); the first of 3 consecutive A bases (chrX:38,299,014-38,299,016); duplicating any one gives the same sequence. VCF-style (leftmost placement, unchanged base first): chrX-38299013-T-TA. GRCh37 (hg19) VCF-style: chrX-38158266-T-TA.
Other names: c.1187dup, p.Leu396fs (NM_000328.3, NM_001367247.1); c.1184dup, p.Leu395fs (NM_001367245.1, NM_001367249.1, NM_001367250.1); c.1217dup, p.Leu406fs (NM_001367248.1); c.1060-1564dup (NM_001367251.1, NM_001367246.1); c.1187dupT (NM_001034853.1); short protein forms L396fs, L395fs, L406fs.
Identifiers: ClinVar variation 432806 (VCV000432806.2), dbSNP rs1555964576, ClinGen allele CA645372676.

ClinVar aggregate classification (germline): Pathogenic (1 of 4 stars; one submission).

Submission:

GeneDx
Classification: Pathogenic. Last evaluated: 2017-12-29. Review status: criteria provided, single submitter. Criteria: GeneDx Variant Classification (06012015). Collection method: clinical testing. Allele origin: germline. Affected: yes.
Comment: The c.1187dupT variant in the RPGR gene has not been reported previously as a pathogenic variant nor as a benign variant, to our knowledge. The c.1187dupT variant causes a frameshift starting with codon Leucine 396, changes this amino acid to a Phenylalanine residue, and creates a premature Stop codon at position 57 of the new reading frame, denoted p.Leu396PhefsX57. This variant is predicted to cause loss of normal protein function either through protein truncation or nonsense-mediated mRNA decay. The c.1187dupT variant is not observed in large population cohorts (Lek et al., 2016; 1000 Genomes Consortium et al., 2015; Exome Variant Server). We interpret c.1187dupT as a pathogenic variant.